The following is an entry in ClinVar:

ClinVar aggregate classification (germline): Uncertain significance (1 of 4 stars; one submission).

Submission:

Labcorp Genetics (formerly Invitae), Labcorp
Classification: Uncertain significance. Last evaluated: 2026-01-09. Review status: criteria provided, single submitter. Criteria: Invitae Variant Classification Sherloc (09022015). Collection method: clinical testing. Allele origin: germline.
Comment: This sequence change affects codon 216 of the CLCN6 mRNA. It is a 'silent' change, meaning that it does not change the encoded amino acid sequence of the CLCN6 protein. This variant also falls at the last nucleotide of exon 8, which is part of the consensus splice site for this exon. This variant is not present in population databases (gnomAD no frequency). This variant has not been reported in the literature in individuals affected with CLCN6-related conditions. Variants that disrupt the consensus splice site are a relatively common cause of aberrant splicing (PMID: 17576681, 9536098). Algorithms developed to predict the effect of sequence changes on RNA splicing suggest that this variant is not likely to affect RNA splicing. In summary, the available evidence is currently insufficient to determine the role of this variant in disease. Therefore, it has been classified as a Variant of Uncertain Significance.

Literature cited by the submitters: PubMed 17576681; PubMed 9536098.

NM_001286.5(CLCN6):c.648G>A (p.Gln216=)

Gene: CLCN6 (chloride voltage-gated channel 6; plus strand). Cytogenetic location: 1p36.22.
Variant type: single nucleotide variant.
Coding change: c.648G>A on transcript NM_001286.5 (MANE Select); coding-DNA position 648, G replaced by A.
Protein change: p.Gln216=; no amino-acid change (glutamine 216 retained).
Molecular consequence: synonymous variant. On other transcripts: non-coding transcript variant (1).
Genome position (GRCh38, 1-based): chr1:11,824,553, G>A. VCF-style: chr1-11824553-G-A. GRCh37 (hg19) VCF-style: chr1-11884610-G-A.
Other names: c.582G>A, p.Gln194= (NM_001256959.2).
Identifiers: ClinVar variation 4734950 (VCV004734950.1).